The following is an entry in ClinVar:

ClinVar aggregate classification (germline): Uncertain significance (1 of 4 stars; one submission).

Conditions:
LAMA2-related muscular dystrophy (LAMA2-RD). Also called: Laminin alpha 2-related dystrophy. Identifiers: MedGen C5679788, MONDO:0100228.

Allele frequency attached by ClinVar (database versions not stated): gnomAD 0.00001; gnomAD exomes 0.00001.
gnomAD v4.1: 8 of 1,612,822 alleles (0.0005%); highest among the groups gnomAD compares: Non-Finnish European, 0.00068%; no homozygotes.

Submission:

Labcorp Genetics (formerly Invitae), Labcorp
Classification: Uncertain significance for LAMA2-related muscular dystrophy. Last evaluated: 2022-04-06. Review status: criteria provided, single submitter. Criteria: Invitae Variant Classification Sherloc (09022015). Collection method: clinical testing. Allele origin: germline.
Comment: This sequence change replaces asparagine, which is neutral and polar, with lysine, which is basic and polar, at codon 1061 of the LAMA2 protein (p.Asn1061Lys). This variant is present in population databases (no rsID available, gnomAD 0.0009%). This variant has not been reported in the literature in individuals affected with LAMA2-related conditions. Advanced modeling of protein sequence and biophysical properties (such as structural, functional, and spatial information, amino acid conservation, physicochemical variation, residue mobility, and thermodynamic stability) performed at Invitae indicates that this missense variant is not expected to disrupt LAMA2 protein function. Algorithms developed to predict the effect of sequence changes on RNA splicing suggest that this variant may create or strengthen a splice site. In summary, the available evidence is currently insufficient to determine the role of this variant in disease. Therefore, it has been classified as a Variant of Uncertain Significance.

NM_000426.4(LAMA2):c.3183C>G (p.Asn1061Lys)

Gene: LAMA2 (laminin subunit alpha 2; plus strand). Cytogenetic location: 6q22.33.
Variant type: single nucleotide variant.
Coding change: c.3183C>G on transcript NM_000426.4 (MANE Select); coding-DNA position 3183, C replaced by G.
Protein change: p.Asn1061Lys; replaces asparagine 1061 with lysine.
Molecular consequence: missense variant.
Genome position (GRCh38, 1-based): chr6:129,312,869, C>G. VCF-style: chr6-129312869-C-G. GRCh37 (hg19) VCF-style: chr6-129634014-C-G.
Other names: c.3183C>G, p.Asn1061Lys (NM_001079823.2); short protein forms N1061K.
Identifiers: ClinVar variation 2058700 (VCV002058700.1), dbSNP rs1196602134, ClinGen allele CA365611643.